The following is an entry in ClinVar:

NM_004991.4(MECOM):c.2228A>G (p.Asp743Gly)

Gene: MECOM (MDS1 and EVI1 complex locus; minus strand). Cytogenetic location: 3q26.2.
Variant type: single nucleotide variant.
Coding change: c.2228A>G on transcript NM_004991.4 (MANE Select); coding-DNA position 2228, A replaced by G.
Protein change: p.Asp743Gly; replaces aspartic acid 743 with glycine.
Molecular consequence: missense variant.
Genome position (GRCh38, 1-based): chr3:169,115,644, T>C on the plus strand (A>G on the coding strand, the complement: MECOM is on the minus strand). VCF-style: chr3-169115644-T-C. GRCh37 (hg19) VCF-style: chr3-168833432-T-C.
Other names: c.1859A>G, p.Asp620Gly (NM_001105077.4); c.1664A>G, p.Asp555Gly (NM_001105078.4, NM_001164000.2, NM_001205194.2 and 4 more transcripts); c.1667A>G, p.Asp556Gly (NM_001163999.2, NM_001366467.2, NM_001366468.2 and 1 more transcripts); c.2228A>G, p.Asp743Gly (NM_001366466.2); c.1256A>G, p.Asp419Gly (NM_001366473.2); c.692A>G, p.Asp231Gly (NM_001366474.2); short protein forms D419G, D556G, D620G, D555G, D231G, D743G.
Identifiers: ClinVar variation 4053183 (VCV004053183.1).

ClinVar aggregate classification (germline): Uncertain significance (1 of 4 stars; one submission).

Conditions:
Inborn genetic diseases. Identifiers: MedGen C0950123, MeSH D030342.

Submission:

Ambry Genetics
Classification: Uncertain significance for Inborn genetic diseases. Last evaluated: 2025-04-13. Review status: criteria provided, single submitter. Criteria: Ambry Variant Classification Scheme 2023. Collection method: clinical testing. Allele origin: germline.
Comment: The p.D743G variant (also known as c.2228A>G), located in coding exon 8 of the MECOM gene, results from an A to G substitution at nucleotide position 2228. The aspartic acid at codon 743 is replaced by glycine, an amino acid with similar properties. This amino acid position is conserved. In addition, the in silico prediction for this alteration is inconclusive. Based on the available evidence, the clinical significance of this variant remains unclear.